The following is an entry in ClinVar:

NM_004385.5(VCAN):c.2449T>C (p.Ser817Pro)

Gene: VCAN (versican; plus strand). Cytogenetic location: 5q14.3.
Variant type: single nucleotide variant.
Coding change: c.2449T>C on transcript NM_004385.5 (MANE Select); coding-DNA position 2449, T replaced by C.
Protein change: p.Ser817Pro; replaces serine 817 with proline.
Molecular consequence: missense variant. On other transcripts: intron variant (2).
Genome position (GRCh38, 1-based): chr5:83,520,755, T>C. VCF-style: chr5-83520755-T-C. GRCh37 (hg19) VCF-style: chr5-82816574-T-C.
Other names: c.2449T>C, p.Ser817Pro (NM_001164098.2); c.1042+8359T>C (NM_001164097.2, NM_001126336.3); short protein forms S817P.
Identifiers: ClinVar variation 1441420 (VCV001441420.9), dbSNP rs146751724, ClinGen allele CA3332843.

ClinVar aggregate classification (germline): Uncertain significance. Review status: criteria provided, multiple submitters, no conflicts (2 of 4 stars). 2 submissions from 2 submitters: Uncertain significance (2). Last evaluated 2025-08-04.

Allele frequency attached by ClinVar (database versions not stated): ExAC 0.00001; TOPMed 0.00002; gnomAD 0.00003; ESP Exome Variant Server 0.00008.
gnomAD v4.1: 19 of 1,613,876 alleles (0.0012%); highest among the groups gnomAD compares: Non-Finnish European, 0.0016%; no homozygotes.

Submissions (2):

Labcorp Genetics (formerly Invitae), Labcorp
Classification: Uncertain significance. Last evaluated: 2025-08-04. Review status: criteria provided, single submitter. Criteria: Invitae Variant Classification Sherloc (09022015). Collection method: clinical testing. Allele origin: germline.
Comment: This sequence change replaces serine, which is neutral and polar, with proline, which is neutral and non-polar, at codon 817 of the VCAN protein (p.Ser817Pro). This variant is present in population databases (rs146751724, gnomAD 0.002%). This variant has not been reported in the literature in individuals affected with VCAN-related conditions. ClinVar contains an entry for this variant (Variation ID: 1441420). An algorithm developed to predict the effect of missense changes on protein structure and function outputs the following: PolyPhen-2: "Benign". The proline amino acid residue is found in multiple mammalian species, which suggests that this missense change does not adversely affect protein function. In summary, the available evidence is currently insufficient to determine the role of this variant in disease. Therefore, it has been classified as a Variant of Uncertain Significance.

Blueprint Genetics
Classification: Uncertain significance. Last evaluated: 2018-03-19. Review status: criteria provided, single submitter. Criteria: ACMG Guidelines, 2015. Collection method: clinical testing. Allele origin: germline.